The following is an entry in ClinVar:

NM_173648.4(CCDC141):c.2718A>G (p.Ile906Met)

Gene: CCDC141 (coiled-coil domain containing 141; minus strand). Cytogenetic location: 2q31.2.
Variant type: single nucleotide variant.
Coding change: c.2718A>G on transcript NM_173648.4 (MANE Select); coding-DNA position 2718, A replaced by G.
Protein change: p.Ile906Met; replaces isoleucine 906 with methionine.
Molecular consequence: missense variant.
Genome position (GRCh38, 1-based): chr2:178,865,773, T>C on the plus strand (A>G on the coding strand, the complement: CCDC141 is on the minus strand). VCF-style: chr2-178865773-T-C. GRCh37 (hg19) VCF-style: chr2-179730500-T-C.
Other names: short protein forms I906M.
Identifiers: ClinVar variation 2906925 (VCV002906925.3), dbSNP rs1034228778, ClinGen allele CA60992256.
Genomic context (GRCh38, chr2:178,865,773, plus strand): 5'-TAGGTTCAAACAGCTTTTTGGCAATGTGCCAGTTCTCACCCCTCCCACACCCACCTCATT[T>C]ATCTCGTCTCTCATGGCGCAGTACTCCACACTACGGGACAGGGTCCGTCCATACTCCTCA-3'
Protein context (NP_775919.3, residues 896-916): SVEYCAMRDE[Ile906Met]NELKDSFKDI

ClinVar aggregate classification (germline): Uncertain significance (1 of 4 stars; one submission).

Allele frequency attached by ClinVar (database versions not stated): gnomAD exomes below 0.00001.
gnomAD v4.1: 1 of 1,539,442 alleles (0.000065%); highest among the groups gnomAD compares: Non-Finnish European, 0.000087%; no homozygotes.

Submission:

Labcorp Genetics (formerly Invitae), Labcorp
Classification: Uncertain significance. Last evaluated: 2025-02-17. Review status: criteria provided, single submitter. Criteria: Invitae Variant Classification Sherloc (09022015). Collection method: clinical testing. Allele origin: germline.
Comment: This sequence change replaces isoleucine, which is neutral and non-polar, with methionine, which is neutral and non-polar, at codon 906 of the CCDC141 protein (p.Ile906Met). This variant is not present in population databases (gnomAD no frequency). This variant has not been reported in the literature in individuals affected with CCDC141-related conditions. ClinVar contains an entry for this variant (Variation ID: 2906925). An algorithm developed to predict the effect of missense changes on protein structure and function outputs the following: PolyPhen-2: "Possibly Damaging". The methionine amino acid residue is found in multiple mammalian species, which suggests that this missense change does not adversely affect protein function. In summary, the available evidence is currently insufficient to determine the role of this variant in disease. Therefore, it has been classified as a Variant of Uncertain Significance.